The following is an entry in ClinVar:

ClinVar aggregate classification (germline): Uncertain significance (1 of 4 stars; one submission).

Conditions:
Inborn genetic diseases. Identifiers: MedGen C0950123, MeSH D030342.

Submission:

Ambry Genetics
Classification: Uncertain significance for Inborn genetic diseases. Last evaluated: 2025-08-03. Review status: criteria provided, single submitter. Criteria: Ambry Variant Classification Scheme 2023. Collection method: clinical testing. Allele origin: germline.
Comment: The p.L367S variant (also known as c.1100T>C), located in coding exon 1 of the SAMD9L gene, results from a T to C substitution at nucleotide position 1100. The leucine at codon 367 is replaced by serine, an amino acid with dissimilar properties. This amino acid position is conserved. In addition, this alteration is predicted to be tolerated by in silico analysis. Based on the available evidence, the clinical significance of this variant remains unclear.

NM_152703.5(SAMD9L):c.1100T>C (p.Leu367Ser)

Gene: SAMD9L (sterile alpha motif domain containing 9 like; minus strand). Cytogenetic location: 7q21.2.
Variant type: single nucleotide variant.
Coding change: c.1100T>C on transcript NM_152703.5 (MANE Select); coding-DNA position 1100, T replaced by C.
Protein change: p.Leu367Ser; replaces leucine 367 with serine.
Molecular consequence: missense variant.
Genome position (GRCh38, 1-based): chr7:93,134,872, A>G on the plus strand (T>C on the coding strand, the complement: SAMD9L is on the minus strand). VCF-style: chr7-93134872-A-G. GRCh37 (hg19) VCF-style: chr7-92764185-A-G.
Other names: c.1100T>C, p.Leu367Ser (NM_001303496.3, NM_001303497.3, NM_001303498.3 and 5 more transcripts); short protein forms L367S.
Identifiers: ClinVar variation 4159375 (VCV004159375.1).